The following is an entry in ClinVar:

NM_001384140.1(PCDH15):c.4308GCC[4] (p.Pro1443del)

Gene: PCDH15 (protocadherin related 15; minus strand). Cytogenetic location: 10q21.1.
Variant type: Microsatellite.
Coding change: c.4308GCC[4] on transcript NM_001384140.1 (MANE Select); four copies in a row of the 3-base unit GCC starting at c.4308; the reference has five copies in a row; one copy, 3 bases deleted.
Protein change: p.Pro1443del; deletes proline 1443.
Molecular consequence: inframe deletion. On other transcripts: inframe indel (1).
Genome position (GRCh38, 1-based): chr10:53,827,438-53,827,440, GGC deleted on the plus strand (GCC on the coding strand, the reverse complement: PCDH15 is on the minus strand); deleting any 3 consecutive bases within chr10:53,827,438-53,827,454 gives the same sequence; the position shown is the placement nearest the transcript's 3' end. VCF-style (leftmost placement, unchanged base first): chr10-53827437-AGGC-A. GRCh37 (hg19) VCF-style: chr10-55587197-AGGC-A.
Other names: c.4323GCC[4], p.Pro1448del (NM_001142763.2, NM_001142771.2); c.4308GCC[4], p.Pro1443del (NM_001142764.2, NM_001142770.3, NM_001142772.2 and 3 more transcripts); c.4095GCC[4], p.Pro1372del (NM_001142765.2); c.4299GCC[4], p.Pro1440del (NM_001142766.2); c.4188GCC[4], p.Pro1403del (NM_001142767.2); c.4242GCC[4], p.Pro1421del (NM_001142768.2, NM_001354404.2); c.4342_4344CCG[4], p.Pro1455del (NM_001142769.4); c.4233GCC[4], p.Pro1418del (NM_001142773.2); and 2 more; short protein forms P1372del, P1403del, P1418del, P1421del, P1440del, P1443del, P1448del, P1450del.
Identifiers: ClinVar variation 1052366 (VCV001052366.4), dbSNP rs559130985, ClinGen allele CA5505366.

ClinVar aggregate classification (germline): Uncertain significance. Review status: criteria provided, single submitter (1 of 4 stars). 2 submissions from 2 submitters: Uncertain significance (1). 1 of the submissions does not count toward it. Last evaluated 2023-12-01.

Conditions:
Usher syndrome type 1F (USH1F). Also called: USHER SYNDROME, TYPE IF. Identifiers: Orphanet 231169, Orphanet 886, MedGen C1865885, MONDO:0011186, OMIM 602083.

Submissions (2):

Labcorp Genetics (formerly Invitae), Labcorp
Classification: Uncertain significance. Last evaluated: 2023-12-01. Review status: criteria provided, single submitter. Criteria: Invitae Variant Classification Sherloc (09022015). Collection method: clinical testing. Allele origin: germline.
Comment: This variant, c.4320_4322del, results in the deletion of 1 amino acid(s) of the PCDH15 protein (p.Pro1443del), but otherwise preserves the integrity of the reading frame. The frequency data for this variant in the population databases is considered unreliable, as metrics indicate poor data quality at this position in the gnomAD database. This variant has not been reported in the literature in individuals affected with PCDH15-related conditions. Experimental studies and prediction algorithms are not available or were not evaluated, and the functional significance of this variant is currently unknown. In summary, the available evidence is currently insufficient to determine the role of this variant in disease. Therefore, it has been classified as a Variant of Uncertain Significance.

Natera, Inc.
Classification: Uncertain significance for Usher syndrome type 1F. Last evaluated: 2021-01-14. Review status: no assertion criteria provided. Collection method: clinical testing. Allele origin: germline. Not counted in ClinVar's aggregate classification.